The following is an entry in ClinVar:

NM_000451.4(SHOX):c.634-14G>T

Gene: SHOX (SHOX homeobox; plus strand). Cytogenetic location: Yp11.2.
Variant type: single nucleotide variant.
Coding change: c.634-14G>T on transcript NM_000451.4 (MANE Select); 14 bases into the intron before coding-DNA position 634, G replaced by T.
Molecular consequence: intron variant.
Genome position (GRCh38, 1-based): chrX:644,377, G>T. VCF-style: chrX-644377-G-T. GRCh37 (hg19) VCF-style: chrX-605112-G-T.
Other names: c.633+3290G>T (NM_006883.2).
Identifiers: ClinVar variation 448375 (VCV000448375.3), dbSNP rs759067813, ClinGen allele CA10330093.

ClinVar aggregate classification (germline): Benign/Likely benign. Review status: criteria provided, multiple submitters, no conflicts (2 of 4 stars). 3 submissions from 3 submitters: Benign (1); Likely benign (2). Last evaluated 2023-02-24.

Conditions:
Leri-Weill dyschondrosteosis (LWD). Also called: DYSCHONDROSTEOSIS; Léri-Weill dyschondrosteosis; Leri-Weill Dyschondrosteosis (LWD). Identifiers: Orphanet 240, MedGen C0265309, MONDO:0007481, OMIM 127300.
Langer mesomelic dysplasia syndrome (LMD). Also called: DYSCHONDROSTEOSIS, HOMOZYGOUS; Langer mesomelic dysplasia. Identifiers: Orphanet 2632, MedGen C0432230, MONDO:0009588, OMIM 249700.
SHOX-related short stature. Also called: SHORT STATURE, IDIOPATHIC, X-LINKED. Identifiers: Orphanet 314795, MedGen C1845118, MONDO:0010367, OMIM 300582. Disease mechanism: loss of function.

Allele frequency attached by ClinVar (database versions not stated): TOPMed 0.00072; gnomAD 0.00070; gnomAD exomes 0.00010; 1000 Genomes Project 30x 0.00083.
gnomAD v4.1: 204 of 1,518,042 alleles (0.013%); highest among the groups gnomAD compares: African/African-American, 0.25%; 1 homozygote.

Submissions (3):

Women's Health and Genetics/Laboratory Corporation of America, LabCorp
Classification: Likely benign. Last evaluated: 2023-02-24. Review status: criteria provided, single submitter. Criteria: LabCorp Variant Classification Summary - May 2015. Collection method: clinical testing. Allele origin: germline.
Comment: Variant summary: SHOX c.634-14G>T alters a non-conserved nucleotide located close to a canonical splice site and therefore could affect mRNA splicing, leading to a significantly altered protein sequence. 4/4 computational tools predict no significant impact on normal splicing. However, these predictions have yet to be confirmed by functional studies. The variant allele was found at a frequency of 9.5e-05 in 115642 control chromosomes, predominantly at a frequency of 0.0014 within the African or African-American subpopulation in the gnomAD database. This frequency is higher than the expected frequency for a pathogenic variant, supporting evidence that the variant is benign. c.634-14G>T has been reported in the literature in an individual affected with Leri-Weill Dyschondrosteosis without strong evidence for causality (Auger_2016). This report does not provide unequivocal conclusions about association of the variant with Leri-Weill Dyschondrosteosis. To our knowledge, no experimental evidence demonstrating an impact on protein function has been reported. Two clinical diagnostic laboratories have submitted clinical-significance assessments for this variant to ClinVar after 2014 without evidence for independent evaluation. All laboratories classified the variant as benign/likely benign. Based on the evidence outlined above, the variant was classified as likely benign.

Fulgent Genetics
Classification: Likely benign for Leri-Weill dyschondrosteosis; Langer mesomelic dysplasia syndrome; SHOX-related short stature. Last evaluated: 2022-04-05. Review status: criteria provided, single submitter. Criteria: ACMG Guidelines, 2015. Collection method: clinical testing. Allele origin: unknown.

Athena Diagnostics
Classification: Benign. Last evaluated: 2017-04-17. Review status: criteria provided, single submitter. Criteria: Athena Diagnostics Criteria. Collection method: clinical testing. Allele origin: germline.

Literature cited by the submitters: PubMed 27676402 (cited by Women's Health and Genetics/Laboratory Corporation of America, LabCorp and Athena Diagnostics).